The following is an entry in ClinVar:

NM_003482.4(KMT2D):c.15788T>C (p.Val5263Ala)

Gene: KMT2D (lysine methyltransferase 2D; minus strand). Cytogenetic location: 12q13.12.
Variant type: single nucleotide variant.
Coding change: c.15788T>C on transcript NM_003482.4 (MANE Select); coding-DNA position 15788, T replaced by C.
Protein change: p.Val5263Ala; replaces valine 5263 with alanine.
Molecular consequence: missense variant.
Genome position (GRCh38, 1-based): chr12:49,024,943, A>G on the plus strand (T>C on the coding strand, the complement: KMT2D is on the minus strand). VCF-style: chr12-49024943-A-G. GRCh37 (hg19) VCF-style: chr12-49418726-A-G.
Other names: short protein forms V5263A.
Identifiers: ClinVar variation 3340631 (VCV003340631.1).

ClinVar aggregate classification (germline): Uncertain significance (1 of 4 stars; one submission).

gnomAD v4.1: 1 of 1,590,280 alleles (0.000063%); highest among the groups gnomAD compares: Non-Finnish European, 0.000086%; no homozygotes.

Submission:

GeneDx
Classification: Uncertain significance. Last evaluated: 2023-09-14. Review status: criteria provided, single submitter. Criteria: GeneDx Variant Classification Process June 2021. Collection method: clinical testing. Allele origin: germline. Affected: yes.
Comment: Not observed at significant frequency in large population cohorts (gnomAD); In silico analysis supports that this missense variant has a deleterious effect on protein structure/function; Has not been previously published as pathogenic or benign to our knowledge